The following is an entry in ClinVar:

ClinVar aggregate classification (germline): Uncertain significance. Review status: criteria provided, multiple submitters, no conflicts (2 of 4 stars). 2 submissions from 2 submitters: Uncertain significance (2). Last evaluated 2026-01-19.

Conditions:
MHC class II deficiency. Also called: Bare lymphocyte syndrome 2; BLS, TYPE II. Identifiers: Orphanet 572, MedGen C5447452, MONDO:0008855.

Allele frequency attached by ClinVar (database versions not stated): gnomAD exomes 0.00001 and 0.00002; ExAC 0.00003; ESP Exome Variant Server 0.00008; gnomAD 0.00009; TOPMed 0.00011; 1000 Genomes Project 30x 0.00047; 1000 Genomes Project 0.00060.
gnomAD v4.1: 37 of 1,613,902 alleles (0.0023%); highest among the groups gnomAD compares: African/African-American, 0.033%; no homozygotes.

Submissions (2):

Labcorp Genetics (formerly Invitae), Labcorp
Classification: Uncertain significance for MHC class II deficiency. Last evaluated: 2026-01-19. Review status: criteria provided, single submitter. Criteria: Invitae Variant Classification Sherloc (09022015). Collection method: clinical testing. Allele origin: germline.
Comment: This sequence change replaces threonine, which is neutral and polar, with alanine, which is neutral and non-polar, at codon 387 of the RFX5 protein (p.Thr387Ala). This variant is present in population databases (rs147822761, gnomAD 0.02%). This variant has not been reported in the literature in individuals affected with RFX5-related conditions. ClinVar contains an entry for this variant (Variation ID: 853894). An algorithm developed to predict the effect of missense changes on protein structure and function outputs the following: PolyPhen-2: "Benign". The alanine amino acid residue is found in multiple mammalian species, which suggests that this missense change does not adversely affect protein function. In summary, the available evidence is currently insufficient to determine the role of this variant in disease. Therefore, it has been classified as a Variant of Uncertain Significance.

Ambry Genetics
Classification: Uncertain significance. Last evaluated: 2025-12-15. Review status: criteria provided, single submitter. Criteria: Ambry Variant Classification Scheme 2023. Collection method: clinical testing. Allele origin: germline.

NM_001025603.2(RFX5):c.1159A>G (p.Thr387Ala)

Gene: RFX5 (regulatory factor X5; minus strand). Cytogenetic location: 1q21.3.
Variant type: single nucleotide variant.
Coding change: c.1159A>G on transcript NM_001025603.2 (MANE Select); coding-DNA position 1159, A replaced by G.
Protein change: p.Thr387Ala; replaces threonine 387 with alanine.
Molecular consequence: missense variant.
Genome position (GRCh38, 1-based): chr1:151,342,878, T>C on the plus strand (A>G on the coding strand, the complement: RFX5 is on the minus strand). VCF-style: chr1-151342878-T-C. GRCh37 (hg19) VCF-style: chr1-151315354-T-C.
Other names: c.1159A>G, p.Thr387Ala (NM_000449.4, NM_001379412.1, NM_001379413.1 and 5 more transcripts); c.1039A>G, p.Thr347Ala (NM_001379419.1, NM_001379420.1); short protein forms T387A, T347A.
Identifiers: ClinVar variation 853894 (VCV000853894.10), dbSNP rs147822761, ClinGen allele CA1089653.